The following is an entry in ClinVar:

NM_000384.3(APOB):c.9720C>A (p.Asp3240Glu)

Gene: APOB (apolipoprotein B; minus strand). Cytogenetic location: 2p24.1.
Variant type: single nucleotide variant.
Coding change: c.9720C>A on transcript NM_000384.3 (MANE Select); coding-DNA position 9720, C replaced by A.
Protein change: p.Asp3240Glu; replaces aspartic acid 3240 with glutamic acid.
Molecular consequence: missense variant.
Genome position (GRCh38, 1-based): chr2:21,007,148, G>T on the plus strand (C>A on the coding strand, the complement: APOB is on the minus strand). VCF-style: chr2-21007148-G-T. GRCh37 (hg19) VCF-style: chr2-21230020-G-T.
Other names: c.9720C>A (NM_000384.2); short protein forms D3240E.
Identifiers: ClinVar variation 2937245 (VCV002937245.4), dbSNP rs111899014, ClinGen allele CA066792.

ClinVar aggregate classification (germline): Uncertain significance. Review status: criteria provided, multiple submitters, no conflicts (2 of 4 stars). 2 submissions from 2 submitters: Uncertain significance (2). Last evaluated 2025-05-15.

Conditions:
Cardiovascular phenotype. Identifiers: MedGen CN230736.
Familial hypobetalipoproteinemia 1. Also called: APOB-Related Familial Hypobetalipoproteinemia; Hypobetalipoproteinemia, normotriglyceridemic; Acanthocytosis with hypobetalipoproteinemia. Identifiers: MedGen C4551990, MONDO:0014252, OMIM 615558.
Hypercholesterolemia, autosomal dominant, type B (FHCL2). Also called: Familial Hypercholesterolemia Type B; APOLIPOPROTEIN B-100, FAMILIAL DEFECTIVE; APOLIPOPROTEIN B-100, FAMILIAL LIGAND-DEFECTIVE; HYPERCHOLESTEROLEMIA, FAMILIAL, DUE TO LIGAND-DEFECTIVE APOLIPOPROTEIN B; Hyperlipoproteinemia Type IIb; Familial hypercholesterolemia 2. Identifiers: MedGen C1704417, MONDO:0007751, OMIM 144010.

gnomAD v4.1: 6 of 1,613,814 alleles (0.00037%); highest among the groups gnomAD compares: East Asian, 0.013%; no homozygotes.

Submissions (2):

Ambry Genetics
Classification: Uncertain significance for Cardiovascular phenotype. Last evaluated: 2025-05-15. Review status: criteria provided, single submitter. Criteria: Ambry Variant Classification Scheme 2023. Collection method: clinical testing. Allele origin: germline.
Comment: The p.D3240E variant (also known as c.9720C>A), located in coding exon 26 of the APOB gene, results from a C to A substitution at nucleotide position 9720. The aspartic acid at codon 3240 is replaced by glutamic acid, an amino acid with highly similar properties. This amino acid position is conserved. In addition, this alteration is predicted to be tolerated by in silico analysis. Based on the available evidence, the clinical significance of this variant remains unclear.

Labcorp Genetics (formerly Invitae), Labcorp
Classification: Uncertain significance for Familial hypobetalipoproteinemia 1; Hypercholesterolemia, autosomal dominant, type B. Last evaluated: 2023-03-27. Review status: criteria provided, single submitter. Criteria: Invitae Variant Classification Sherloc (09022015). Collection method: clinical testing. Allele origin: germline.
Comment: This variant is present in population databases (rs111899014, gnomAD 0.03%). This sequence change replaces aspartic acid, which is acidic and polar, with glutamic acid, which is acidic and polar, at codon 3240 of the APOB protein (p.Asp3240Glu). This variant has not been reported in the literature in individuals affected with APOB-related conditions. In summary, the available evidence is currently insufficient to determine the role of this variant in disease. Therefore, it has been classified as a Variant of Uncertain Significance. Advanced modeling of protein sequence and biophysical properties (such as structural, functional, and spatial information, amino acid conservation, physicochemical variation, residue mobility, and thermodynamic stability) performed at Invitae indicates that this missense variant is not expected to disrupt APOB protein function.